The following is an entry in ClinVar:

ClinVar aggregate classification (germline): Uncertain significance. Review status: criteria provided, multiple submitters, no conflicts (2 of 4 stars). 2 submissions from 2 submitters: Uncertain significance (2). Last evaluated 2025-08-09.

Conditions:
Hereditary nonpolyposis colorectal neoplasms. Identifiers: MedGen C0009405, MeSH D003123.
Hereditary cancer-predisposing syndrome. Also called: Tumor predisposition; Hereditary neoplastic syndrome; Hereditary Cancer Syndrome; Neoplastic Syndromes, Hereditary. Identifiers: Orphanet 140162, MedGen C0027672, MeSH D009386, MONDO:0015356.

Allele frequency attached by ClinVar (database versions not stated): TOPMed below 0.00001.

Submissions (2):

Labcorp Genetics (formerly Invitae), Labcorp
Classification: Uncertain significance for Hereditary nonpolyposis colorectal neoplasms. Last evaluated: 2025-08-09. Review status: criteria provided, single submitter. Criteria: Invitae Variant Classification Sherloc (09022015). Collection method: clinical testing. Allele origin: germline.
Comment: This sequence change replaces glycine, which is neutral and non-polar, with alanine, which is neutral and non-polar, at codon 529 of the MSH6 protein (p.Gly529Ala). This variant is not present in population databases (gnomAD no frequency). This variant has not been reported in the literature in individuals affected with MSH6-related conditions. ClinVar contains an entry for this variant (Variation ID: 578038). Invitae Evidence Modeling of protein sequence and biophysical properties (such as structural, functional, and spatial information, amino acid conservation, physicochemical variation, residue mobility, and thermodynamic stability) indicates that this missense variant is not expected to disrupt MSH6 protein function with a negative predictive value of 95%. In summary, the available evidence is currently insufficient to determine the role of this variant in disease. Therefore, it has been classified as a Variant of Uncertain Significance.

Ambry Genetics
Classification: Uncertain significance for Hereditary cancer-predisposing syndrome. Last evaluated: 2023-12-11. Review status: criteria provided, single submitter. Criteria: Ambry Variant Classification Scheme 2023. Collection method: clinical testing. Allele origin: germline.
Comment: The p.G529A variant (also known as c.1586G>C), located in coding exon 4 of the MSH6 gene, results from a G to C substitution at nucleotide position 1586. The glycine at codon 529 is replaced by alanine, an amino acid with similar properties. This amino acid position is conserved. In addition, the in silico prediction for this alteration is inconclusive. Since supporting evidence is limited at this time, the clinical significance of this alteration remains unclear.

NM_000179.3(MSH6):c.1586G>C (p.Gly529Ala)

Gene: MSH6 (mutS homolog 6; plus strand). Cytogenetic location: 2p16.3.
Variant type: single nucleotide variant.
Coding change: c.1586G>C on transcript NM_000179.3 (MANE Select); coding-DNA position 1586, G replaced by C.
Protein change: p.Gly529Ala; replaces glycine 529 with alanine.
Molecular consequence: missense variant.
Genome position (GRCh38, 1-based): chr2:47,799,569, G>C. VCF-style: chr2-47799569-G-C. GRCh37 (hg19) VCF-style: chr2-48026708-G-C.
Other names: c.1196G>C, p.Gly399Ala (NM_001281492.2); c.680G>C, p.Gly227Ala (NM_001281493.2, NM_001281494.2); short protein forms G529A, G399A, G227A.
Identifiers: ClinVar variation 578038 (VCV000578038.8), dbSNP rs786201964, ClinGen allele CA346746884.